The following is an entry in ClinVar:

NM_007194.4(CHEK2):c.1370A>G (p.Glu457Gly)

Gene: CHEK2 (checkpoint kinase 2; minus strand). Cytogenetic location: 22q12.1.
Variant type: single nucleotide variant.
Coding change: c.1370A>G on transcript NM_007194.4 (MANE Select); coding-DNA position 1370, A replaced by G.
Protein change: p.Glu457Gly; replaces glutamic acid 457 with glycine.
Molecular consequence: missense variant.
Genome position (GRCh38, 1-based): chr22:28,695,132, T>C on the plus strand (A>G on the coding strand, the complement: CHEK2 is on the minus strand). VCF-style: chr22-28695132-T-C. GRCh37 (hg19) VCF-style: chr22-29091120-T-C.
Other names: c.1499A>G, p.Glu500Gly (NM_001005735.3); c.707A>G, p.Glu236Gly (NM_001257387.3); c.1169A>G, p.Glu390Gly (NM_001349956.3); c.1283A>G, p.Glu428Gly (NM_145862.3); short protein forms E390G, E457G, E500G, E236G, E428G.
Identifiers: ClinVar variation 2601302 (VCV002601302.3), dbSNP rs2145792736, ClinGen allele CA411095376.

ClinVar aggregate classification (germline): Uncertain significance (1 of 4 stars; one submission).

Conditions:
Hereditary cancer-predisposing syndrome. Also called: Tumor predisposition; Hereditary Cancer Syndrome; Hereditary neoplastic syndrome; Neoplastic Syndromes, Hereditary. Identifiers: Orphanet 140162, MedGen C0027672, MeSH D009386, MONDO:0015356.

Submission:

Ambry Genetics
Classification: Uncertain significance for Hereditary cancer-predisposing syndrome. Last evaluated: 2025-10-23. Review status: criteria provided, single submitter. Criteria: Ambry Variant Classification Scheme 2023. Collection method: clinical testing. Allele origin: germline.
Comment: The p.E457G variant (also known as c.1370A>G), located in coding exon 11 of the CHEK2 gene, results from an A to G substitution at nucleotide position 1370. The glutamic acid at codon 457 is replaced by glycine, an amino acid with similar properties. This amino acid position is conserved. In addition, this alteration is predicted to be tolerated by in silico analysis. Since supporting evidence is limited at this time, the clinical significance of this alteration remains unclear.